The following is an entry in ClinVar:

ClinVar aggregate classification (germline): Uncertain significance (1 of 4 stars; one submission).

Allele frequency attached by ClinVar (database versions not stated): gnomAD exomes below 0.00001.
gnomAD v4.1: 2 of 1,612,158 alleles (0.00012%); highest among the groups gnomAD compares: Non-Finnish European, 0.00017%; no homozygotes.

Submission:

GeneDx
Classification: Uncertain significance. Last evaluated: 2023-03-21. Review status: criteria provided, single submitter. Criteria: GeneDx Variant Classification Process June 2021. Collection method: clinical testing. Allele origin: germline. Affected: yes.
Comment: Not observed at significant frequency in large population cohorts (gnomAD); In silico analysis supports that this missense variant has a deleterious effect on protein structure/function; Has not been previously published as pathogenic or benign to our knowledge

NM_001394998.1(TANC2):c.2503A>G (p.Met835Val)

Gene: TANC2 (tetratricopeptide repeat, ankyrin repeat and coiled-coil containing 2; plus strand). Cytogenetic location: 17q23.3.
Variant type: single nucleotide variant.
Coding change: c.2503A>G on transcript NM_001394998.1 (MANE Select); coding-DNA position 2503, A replaced by G.
Protein change: p.Met835Val; replaces methionine 835 with valine.
Molecular consequence: missense variant.
Genome position (GRCh38, 1-based): chr17:63,355,311, A>G. VCF-style: chr17-63355311-A-G. GRCh37 (hg19) VCF-style: chr17-61432672-A-G.
Other names: c.2281A>G, p.Met761Val (NM_001411076.1, NM_025185.4); short protein forms M761V, M835V.
Identifiers: ClinVar variation 2580537 (VCV002580537.1), dbSNP rs2046748779, ClinGen allele CA400525429.